The following is an entry in ClinVar:

NM_032634.4(PIGO):c.2261G>A (p.Gly754Glu)

Gene: PIGO (phosphatidylinositol glycan anchor biosynthesis class O; minus strand). Cytogenetic location: 9p13.3.
Variant type: single nucleotide variant.
Coding change: c.2261G>A on transcript NM_032634.4 (MANE Select); coding-DNA position 2261, G replaced by A.
Protein change: p.Gly754Glu; replaces glycine 754 with glutamic acid.
Molecular consequence: missense variant. On other transcripts: intron variant (2).
Genome position (GRCh38, 1-based): chr9:35,091,626, C>T on the plus strand (G>A on the coding strand, the complement: PIGO is on the minus strand). VCF-style: chr9-35091626-C-T. GRCh37 (hg19) VCF-style: chr9-35091623-C-T.
Other names: c.1345-335G>A (NM_152850.4, NM_001201484.2); short protein forms G754E.
Identifiers: ClinVar variation 1468654 (VCV001468654.8), dbSNP rs1424475122, ClinGen allele CA373320452.

ClinVar aggregate classification (germline): Uncertain significance (1 of 4 stars; one submission).

Conditions:
Hyperphosphatasia with impaired intellectual development syndrome 2. Also called: Hyperphosphatasia with intellectual disability syndrome 2; GLYCOSYLPHOSPHATIDYLINOSITOL BIOSYNTHESIS DEFECT 6. Identifiers: Orphanet 247262, MedGen C3553637, MONDO:0013882, OMIM 614749.

Submission:

Labcorp Genetics (formerly Invitae), Labcorp
Classification: Uncertain significance for Hyperphosphatasia with impaired intellectual development syndrome 2. Last evaluated: 2021-02-10. Review status: criteria provided, single submitter. Criteria: Invitae Variant Classification Sherloc (09022015). Collection method: clinical testing. Allele origin: germline.
Comment: This sequence change replaces glycine with glutamic acid at codon 754 of the PIGO protein (p.Gly754Glu). The glycine residue is moderately conserved and there is a moderate physicochemical difference between glycine and glutamic acid. In summary, the available evidence is currently insufficient to determine the role of this variant in disease. Therefore, it has been classified as a Variant of Uncertain Significance. Algorithms developed to predict the effect of missense changes on protein structure and function are either unavailable or do not agree on the potential impact of this missense change (SIFT: "Tolerated"; PolyPhen-2: "Probably Damaging"; Align-GVGD: "Class C0"). This variant has not been reported in the literature in individuals with PIGO-related conditions. This variant is not present in population databases (ExAC no frequency).